The following is an entry in ClinVar:

NM_000130.5(F5):c.6530T>A (p.Ile2177Asn)

Gene: F5 (coagulation factor V; minus strand). Cytogenetic location: 1q24.2.
Variant type: single nucleotide variant.
Coding change: c.6530T>A on transcript NM_000130.5 (MANE Select); coding-DNA position 6530, T replaced by A.
Protein change: p.Ile2177Asn; replaces isoleucine 2177 with asparagine.
Molecular consequence: missense variant.
Genome position (GRCh38, 1-based): chr1:169,514,458, A>T on the plus strand (T>A on the coding strand, the complement: F5 is on the minus strand). VCF-style: chr1-169514458-A-T. GRCh37 (hg19) VCF-style: chr1-169483696-A-T.
Other names: short protein forms I2177N.
Identifiers: ClinVar variation 1694534 (VCV001694534.31), dbSNP rs2101801070, ClinGen allele CA343117825.

ClinVar aggregate classification (germline): Uncertain significance (1 of 4 stars; one submission).

Submission:

CeGaT Center for Human Genetics Tuebingen
Classification: Uncertain significance. Last evaluated: 2022-05-01. Review status: criteria provided, single submitter. Criteria: CeGaT Center For Human Genetics Tuebingen Variant Classification Criteria Version 2. Collection method: clinical testing. Allele origin: germline. Affected: yes. Observed: 1 variant allele.
Comment: F5: PM2